The following is an entry in ClinVar:

NM_001039211.3(ATAD3C):c.514C>A (p.His172Asn)

Gene: ATAD3C (ATPase family AAA domain containing 3C; plus strand). Cytogenetic location: 1p36.33.
Variant type: single nucleotide variant.
Coding change: c.514C>A on transcript NM_001039211.3 (MANE Select); coding-DNA position 514, C replaced by A.
Protein change: p.His172Asn; replaces histidine 172 with asparagine.
Molecular consequence: missense variant.
Genome position (GRCh38, 1-based): chr1:1,455,866, C>A. VCF-style: chr1-1455866-C-A. GRCh37 (hg19) VCF-style: chr1-1391246-C-A.
Other names: short protein forms H172N.
Identifiers: ClinVar variation 3130724 (VCV003130724.7), dbSNP rs757164949, ClinGen allele CA523664.

ClinVar aggregate classification (germline): Likely benign. Review status: criteria provided, multiple submitters, no conflicts (2 of 4 stars). 2 submissions from 2 submitters: Likely benign (2). Last evaluated 2025-11-01.

Allele frequency attached by ClinVar (database versions not stated): gnomAD 0.00023; TOPMed 0.00033; ExAC 0.00038.
gnomAD v4.1: 493 of 1,613,410 alleles (0.031%); highest among the groups gnomAD compares: South Asian, 0.24%; 8 homozygotes.

Submissions (2):

CeGaT Center for Human Genetics Tuebingen
Classification: Likely benign. Last evaluated: 2025-11-01. Review status: criteria provided, single submitter. Criteria: CeGaT Center For Human Genetics Tuebingen Variant Classification Criteria Version 2. Collection method: clinical testing. Allele origin: germline. Affected: yes. Observed: 1 variant allele.
Comment: ATAD3C: BS2

Ambry Genetics
Classification: Likely benign. Last evaluated: 2021-09-16. Review status: criteria provided, single submitter. Criteria: Ambry Variant Classification Scheme 2023. Collection method: clinical testing. Allele origin: germline.